The following is an entry in ClinVar:

NM_001145809.2(MYH14):c.4202C>T (p.Ala1401Val)

Gene: MYH14 (myosin heavy chain 14; plus strand). Cytogenetic location: 19q13.33.
Variant type: single nucleotide variant.
Coding change: c.4202C>T on transcript NM_001145809.2 (MANE Select); coding-DNA position 4202, C replaced by T.
Protein change: p.Ala1401Val; replaces alanine 1401 with valine.
Molecular consequence: missense variant.
Genome position (GRCh38, 1-based): chr19:50,280,295, C>T. VCF-style: chr19-50280295-C-T. GRCh37 (hg19) VCF-style: chr19-50783552-C-T.
Other names: c.4103C>T, p.Ala1368Val (NM_001077186.2); c.4079C>T, p.Ala1360Val (NM_024729.4); short protein forms A1368V, A1360V, A1401V.
Identifiers: ClinVar variation 3156837 (VCV003156837.2), dbSNP rs1441998308, ClinGen allele CA406957522.

ClinVar aggregate classification (germline): Uncertain significance. Review status: criteria provided, multiple submitters, no conflicts (2 of 4 stars). 2 submissions from 2 submitters: Uncertain significance (2). Last evaluated 2025-06-10.

Conditions:
Inborn genetic diseases. Identifiers: MedGen C0950123, MeSH D030342.

gnomAD v4.1: 42 of 1,551,122 alleles (0.0027%); highest among the groups gnomAD compares: Non-Finnish European, 0.0035%; no homozygotes.

Submissions (2):

Women's Health and Genetics/Laboratory Corporation of America, LabCorp
Classification: Uncertain significance. Last evaluated: 2025-06-10. Review status: criteria provided, single submitter. Criteria: LabCorp Variant Classification Summary - May 2015. Collection method: clinical testing. Allele origin: germline.
Comment: Variant summary: MYH14 c.4079C>T (p.Ala1360Val) results in a non-conservative amino acid change in the encoded protein sequence. Algorithms developed to predict the effect of missense changes on protein structure and function are either unavailable or do not agree on the potential impact of this missense change. The variant allele was found at a frequency of 1.3e-05 in 153840 control chromosomes (gnomAD). The available data on variant occurrences in the general population are insufficient to allow any conclusion about variant significance. To our knowledge, no occurrence of c.4079C>T in individuals affected with Autosomal dominant nonsyndromic hearing loss 4A and no experimental evidence demonstrating its impact on protein function have been reported. ClinVar contains an entry for this variant (Variation ID: 3156837). Based on the evidence outlined above, the variant was classified as uncertain significance.

Ambry Genetics
Classification: Uncertain significance for Inborn genetic diseases. Last evaluated: 2023-12-26. Review status: criteria provided, single submitter. Criteria: Ambry Variant Classification Scheme 2023. Collection method: clinical testing. Allele origin: germline.